The following is an entry in ClinVar:

NM_001281740.3(FHOD3):c.2278G>A (p.Glu760Lys)

Gene: FHOD3 (formin homology 2 domain containing 3; plus strand). Cytogenetic location: 18q12.2.
Variant type: single nucleotide variant.
Coding change: c.2278G>A on transcript NM_001281740.3 (MANE Select); coding-DNA position 2278, G replaced by A.
Protein change: p.Glu760Lys; replaces glutamic acid 760 with lysine.
Molecular consequence: missense variant.
Genome position (GRCh38, 1-based): chr18:36,709,136, G>A. VCF-style: chr18-36709136-G-A. GRCh37 (hg19) VCF-style: chr18-34289099-G-A.
Other names: c.1702G>A, p.Glu568Lys (NM_001281739.3); c.1753G>A, p.Glu585Lys (NM_025135.5); short protein forms E568K, E585K, E760K.
Identifiers: ClinVar variation 4879539 (VCV004879539.2).
Genomic context (GRCh38, chr18:36,709,136, plus strand): 5'-CCATTGTTGTCTCCACCAGCAAGTGCCGGGGATCCTGAACCCGAATCAGAGGCAGAACCG[G>A]AAGCAGAGGCAGGGGCGGGGCAGGTTGCTGATGAAGCTGGCCAGGACATAGCCTCTGCCC-3'
Protein context (NP_001268669.1, residues 750-770): DPEPESEAEP[Glu760Lys]AEAGAGQVAD

ClinVar aggregate classification (germline): Uncertain significance. Review status: criteria provided, multiple submitters, no conflicts (2 of 4 stars). 2 submissions from 2 submitters: Uncertain significance (2). Last evaluated 2025-10-12.

Conditions:
Cardiomyopathy, familial hypertrophic, 28. Identifiers: MedGen C5543616, MONDO:0030317, OMIM 619402.

gnomAD v4.1: 2 of 1,613,906 alleles (0.00012%); highest among the groups gnomAD compares: African/African-American, 0.0027%; no homozygotes.

Submissions (2):

Clinical Genomics Laboratory, Washington University in St. Louis
Classification: Uncertain significance for Cardiomyopathy, familial hypertrophic, 28. Last evaluated: 2025-10-12. Review status: criteria provided, single submitter. Criteria: ACMG Guidelines, 2015. Collection method: clinical testing. Allele origin: germline.
Comment: The FHOD3 c.2278G>A (p.Glu760Lys) variant, to our knowledge, has not been reported in the medical literature. This variant is only observed in 2/1,613,906 alleles in the general population (gnomAD v.4.1.0), indicating it is not a common variant. Computational predictors suggest that the variant does not impact FHOD3 function. Due to limited information, and based on ACMG/AMP guidelines for variant interpretation (Richards S et al., PMID: 25741868), the clinical significance of this variant is uncertain at this time.

Blueprint Genetics
Classification: Uncertain significance. Last evaluated: 2022-05-12. Review status: criteria provided, single submitter. Criteria: ACMG Guidelines, 2015. Collection method: clinical testing. Allele origin: germline.